The following is an entry in ClinVar:

ClinVar aggregate classification (germline): Uncertain significance (1 of 4 stars; one submission).

Conditions:
Long QT syndrome (LQTS). Identifiers: MedGen C0023976, MeSH D008133, MONDO:0002442. Disease mechanism: loss of function. Inheritance: Various modes of inheritance.

Submission:

Labcorp Genetics (formerly Invitae), Labcorp
Classification: Uncertain significance for Long QT syndrome. Last evaluated: 2025-12-14. Review status: criteria provided, single submitter. Criteria: Invitae Variant Classification Sherloc (09022015). Collection method: clinical testing. Allele origin: germline.
Comment: This sequence change replaces glutamic acid, which is acidic and polar, with lysine, which is basic and polar, at codon 1820 of the CACNA1C protein (p.Glu1820Lys). This variant is not present in population databases (gnomAD no frequency). This variant has not been reported in the literature in individuals affected with CACNA1C-related conditions. Invitae Evidence Modeling of protein sequence and biophysical properties (such as structural, functional, and spatial information, amino acid conservation, physicochemical variation, residue mobility, and thermodynamic stability) indicates that this missense variant is not expected to disrupt CACNA1C protein function with a negative predictive value of 95%. In summary, the available evidence is currently insufficient to determine the role of this variant in disease. Therefore, it has been classified as a Variant of Uncertain Significance.

NM_000719.7(CACNA1C):c.5458G>A (p.Glu1820Lys)

Genes: CACNA1C (calcium voltage-gated channel subunit alpha1 C; plus strand), CACNA1C-AS1 (CACNA1C antisense RNA 1; minus strand). Cytogenetic location: 12p13.33.
Variant type: single nucleotide variant.
Coding change: c.5458G>A on transcript NM_000719.7 (MANE Select); coding-DNA position 5458, G replaced by A.
Protein change: p.Glu1820Lys; replaces glutamic acid 1820 with lysine.
Molecular consequence: missense variant.
Genome position (GRCh38, 1-based): chr12:2,682,563, G>A. VCF-style: chr12-2682563-G-A. GRCh37 (hg19) VCF-style: chr12-2791729-G-A.
Other names: c.5602G>A, p.Glu1868Lys (NM_001129827.2); c.5581G>A, p.Glu1861Lys (NM_001129829.2); c.5563G>A, p.Glu1855Lys (NM_001129830.3, NM_001167624.3); c.5542G>A, p.Glu1848Lys (NM_001129831.2); c.5518G>A, p.Glu1840Lys (NM_001129832.2); c.5515G>A, p.Glu1839Lys (NM_001129833.2, NM_001129834.2, NM_001129835.2); c.5509G>A, p.Glu1837Lys (NM_001129836.2); c.5482G>A, p.Glu1828Lys (NM_001129837.2, NM_001129838.2); and 6 more; short protein forms E1809K, E1817K, E1820K, E1826K, E1828K, E1837K, E1839K, E1840K.
Identifiers: ClinVar variation 4801133 (VCV004801133.1).